The following is an entry in ClinVar:

NM_017534.6(MYH2):c.2020C>T (p.His674Tyr)

Genes: MYHAS (myosin heavy chain gene cluster antisense RNA; plus strand), MYH2 (myosin heavy chain 2; minus strand). Cytogenetic location: 17p13.1.
Variant type: single nucleotide variant.
Coding change: c.2020C>T on transcript NM_017534.6 (MANE Select); coding-DNA position 2020, C replaced by T.
Protein change: p.His674Tyr; replaces histidine 674 with tyrosine.
Molecular consequence: missense variant.
Genome position (GRCh38, 1-based): chr17:10,535,320, G>A on the plus strand (C>T on the coding strand, the complement: MYH2 is on the minus strand). VCF-style: chr17-10535320-G-A. GRCh37 (hg19) VCF-style: chr17-10438637-G-A.
Other names: c.2020C>T, p.His674Tyr (NM_001100112.2); short protein forms H674Y.
Identifiers: ClinVar variation 534353 (VCV000534353.10), dbSNP rs1555571125, ClinGen allele CA398151790.
Genomic context (GRCh38, chr17:10,535,320, plus strand): 5'-CATTATGGAATTTCTTACCAGGAGTTTTTGTCTCATTGGGGATGATACACCTCACAAAGT[G>A]AGGATGGGTACTCCTGAGGTTGGTCATCAGCTTGTTCAAATTCTCCTGTAAAACCAGGAA-3'
Protein context (NP_060004.3, residues 664-684): LMTNLRSTHP[His674Tyr]FVRCIIPNET

ClinVar aggregate classification (germline): Uncertain significance. Review status: criteria provided, multiple submitters, no conflicts (2 of 4 stars). 2 submissions from 2 submitters: Uncertain significance (2). Last evaluated 2023-04-07.

Conditions:
Inborn genetic diseases. Identifiers: MedGen C0950123, MeSH D030342.
Myopathy, proximal, and ophthalmoplegia (CMYO6). Also called: MYOPATHY WITH CONGENITAL JOINT CONTRACTURES, OPHTHALMOPLEGIA, AND RIMMED VACUOLES; INCLUSION BODY MYOPATHY 3, AUTOSOMAL DOMINANT; CONGENITAL MYOPATHY 6 WITH OPHTHALMOPLEGIA. Identifiers: Orphanet 363677, Orphanet 79091, MedGen C1854106, MONDO:0011577, OMIM 605637.

Submissions (2):

Ambry Genetics
Classification: Uncertain significance for Inborn genetic diseases. Last evaluated: 2023-04-07. Review status: criteria provided, single submitter. Criteria: Ambry Variant Classification Scheme 2023. Collection method: clinical testing. Allele origin: germline.

Labcorp Genetics (formerly Invitae), Labcorp
Classification: Uncertain significance for Myopathy, proximal, and ophthalmoplegia. Last evaluated: 2022-07-26. Review status: criteria provided, single submitter. Criteria: Invitae Variant Classification Sherloc (09022015). Collection method: clinical testing. Allele origin: germline.
Comment: Algorithms developed to predict the effect of missense changes on protein structure and function (SIFT, PolyPhen-2, Align-GVGD) all suggest that this variant is likely to be disruptive. In summary, the available evidence is currently insufficient to determine the role of this variant in disease. Therefore, it has been classified as a Variant of Uncertain Significance. ClinVar contains an entry for this variant (Variation ID: 534353). This variant has not been reported in the literature in individuals affected with MYH2-related conditions. This variant is not present in population databases (gnomAD no frequency). This sequence change replaces histidine, which is basic and polar, with tyrosine, which is neutral and polar, at codon 674 of the MYH2 protein (p.His674Tyr).